The following is an entry in ClinVar:

ClinVar aggregate classification (germline): Uncertain significance (1 of 4 stars; one submission).

Submission:

Labcorp Genetics (formerly Invitae), Labcorp
Classification: Uncertain significance. Last evaluated: 2023-07-17. Review status: criteria provided, single submitter. Criteria: Invitae Variant Classification Sherloc (09022015). Collection method: clinical testing. Allele origin: germline.
Comment: Advanced modeling of protein sequence and biophysical properties (such as structural, functional, and spatial information, amino acid conservation, physicochemical variation, residue mobility, and thermodynamic stability) performed at Invitae indicates that this missense variant is not expected to disrupt FBLN5 protein function. In summary, the available evidence is currently insufficient to determine the role of this variant in disease. Therefore, it has been classified as a Variant of Uncertain Significance. This variant has not been reported in the literature in individuals affected with FBLN5-related conditions. This variant is not present in population databases (gnomAD no frequency). This sequence change replaces proline, which is neutral and non-polar, with arginine, which is basic and polar, at codon 375 of the FBLN5 protein (p.Pro375Arg).

NM_006329.4(FBLN5):c.1124C>G (p.Pro375Arg)

Gene: FBLN5 (fibulin 5; minus strand). Cytogenetic location: 14q32.12.
Variant type: single nucleotide variant.
Coding change: c.1124C>G on transcript NM_006329.4 (MANE Select); coding-DNA position 1124, C replaced by G.
Protein change: p.Pro375Arg; replaces proline 375 with arginine.
Molecular consequence: missense variant.
Genome position (GRCh38, 1-based): chr14:91,877,548, G>C on the plus strand (C>G on the coding strand, the complement: FBLN5 is on the minus strand). VCF-style: chr14-91877548-G-C. GRCh37 (hg19) VCF-style: chr14-92343892-G-C.
Other names: c.1247C>G, p.Pro416Arg (NM_001384158.1); c.1175C>G, p.Pro392Arg (NM_001384159.1); c.1124C>G, p.Pro375Arg (NM_001384160.1); c.956C>G, p.Pro319Arg (NM_001384161.1, NM_001384162.1); short protein forms P319R, P392R, P416R, P375R.
Identifiers: ClinVar variation 2777037 (VCV002777037.3), dbSNP rs2542751797, ClinGen allele CA390640574.